The following is an entry in ClinVar:

ClinVar aggregate classification (germline): Likely benign (0 of 4 stars; one submission).

Conditions:
YTHDC2-related disorder. Also called: YTHDC2-related condition.

Allele frequency attached by ClinVar (database versions not stated): gnomAD exomes 0.00247; ExAC 0.00541; ESP Exome Variant Server 0.28380.

Submission:

PreventionGenetics, part of Exact Sciences
Classification: Likely benign for YTHDC2-related condition. Last evaluated: 2019-02-21. Review status: no assertion criteria provided. Collection method: clinical testing. Allele origin: germline.
Comment: This variant is classified as likely benign based on ACMG/AMP sequence variant interpretation guidelines (Richards et al. 2015 PMID: 25741868, with internal and published modifications).

NM_022828.5(YTHDC2):c.1689-4_1689-3del

Gene: YTHDC2 (YTH N6-methyladenosine RNA binding protein C2; plus strand). Cytogenetic location: 5q22.2.
Variant type: Deletion.
Coding change: c.1689-4_1689-3del on transcript NM_022828.5 (MANE Select); 4 bases into the intron before coding-DNA position 1689 through 3 bases into the intron before coding-DNA position 1689, 2 bases deleted (TC; older notation c.1689-4_1689-3delTC).
Molecular consequence: intron variant.
Genome position (GRCh38, 1-based): chr5:113,553,177-113,553,178, TC deleted. VCF-style (leftmost placement, unchanged base first): chr5-113553176-TTC-T. GRCh37 (hg19) VCF-style: chr5-112888873-TTC-T.
Other names: c.1203-4_1203-3del (NM_001345975.2); c.789-4_789-3del (NM_001345976.2).
Identifiers: ClinVar variation 3038046 (VCV003038046.2), dbSNP rs1491314813, ClinGen allele CA3371905.